The following is an entry in ClinVar:

NM_014845.6(FIG4):c.1809G>A (p.Gly603=)

Gene: FIG4 (FIG4 phosphoinositide 5-phosphatase; plus strand). Cytogenetic location: 6q21.
Variant type: single nucleotide variant.
Coding change: c.1809G>A on transcript NM_014845.6 (MANE Select); coding-DNA position 1809, G replaced by A.
Protein change: p.Gly603=; no amino-acid change (glycine 603 retained).
Molecular consequence: synonymous variant.
Genome position (GRCh38, 1-based): chr6:109,776,980, G>A. VCF-style: chr6-109776980-G-A. GRCh37 (hg19) VCF-style: chr6-110098183-G-A.
Other names: p.Gly603=.
Identifiers: ClinVar variation 507952 (VCV000507952.17), dbSNP rs148280593, ClinGen allele CA3956186.

ClinVar aggregate classification (germline): Likely benign. Review status: criteria provided, multiple submitters, no conflicts (2 of 4 stars). 7 submissions from 7 submitters: Likely benign (7). Last evaluated 2026-09-01.

Conditions:
Inborn genetic diseases. Identifiers: MedGen C0950123, MeSH D030342.
Charcot-Marie-Tooth disease type 4. Also called: Charcot-Marie-Tooth disease, type IV; Charcot-Marie-Tooth, Type 4. Identifiers: Orphanet 64749, MedGen C4082197, MONDO:0018995.
Charcot-Marie-Tooth disease. Also called: Charcot-Marie-Tooth Hereditary Neuropathy; Charcot-Marie-Tooth Neuropathy. Identifiers: Orphanet 166, MedGen C0007959, MONDO:0015626.

Allele frequency attached by ClinVar (database versions not stated): ExAC 0.00002; gnomAD 0.00002; gnomAD exomes 0.00003; TOPMed 0.00003; ESP Exome Variant Server 0.00015.
gnomAD v4.1: 42 of 1,613,326 alleles (0.0026%); highest among the groups gnomAD compares: Non-Finnish European, 0.0036%; no homozygotes.

Submissions (7):

CeGaT Center for Human Genetics Tuebingen
Classification: Likely benign. Last evaluated: 2026-09-01. Review status: criteria provided, single submitter. Criteria: CeGaT Center For Human Genetics Tuebingen Variant Classification Criteria Version 2. Collection method: clinical testing. Allele origin: germline. Affected: yes. Observed: 1 variant allele.
Comment: FIG4: BP4, BP7

Labcorp Genetics (formerly Invitae), Labcorp
Classification: Likely benign for Charcot-Marie-Tooth disease type 4. Last evaluated: 2025-11-20. Review status: criteria provided, single submitter. Criteria: Invitae Variant Classification Sherloc (09022015). Collection method: clinical testing. Allele origin: germline.

Mayo Clinic Laboratories, Mayo Clinic
Classification: Likely benign. Last evaluated: 2025-08-15. Review status: criteria provided, single submitter. Criteria: ACMG Guidelines, 2015. Collection method: clinical testing. Allele origin: germline. Observed: 1 variant allele.
Comment: BP4, BP7

Blueprint Genetics
Classification: Likely benign. Last evaluated: 2024-09-06. Review status: criteria provided, single submitter. Criteria: ACMG Guidelines, 2015. Collection method: clinical testing. Allele origin: germline.

Ambry Genetics
Classification: Likely benign for Inborn genetic diseases. Last evaluated: 2023-03-16. Review status: criteria provided, single submitter. Criteria: Ambry Variant Classification Scheme 2023. Collection method: clinical testing. Allele origin: germline.

GeneDx
Classification: Likely benign. Last evaluated: 2017-03-13. Review status: criteria provided, single submitter. Criteria: GeneDx Variant Classification (06012015). Collection method: clinical testing. Allele origin: germline. Affected: yes.
Comment: This variant is considered likely benign or benign based on one or more of the following criteria: it is a conservative change, it occurs at a poorly conserved position in the protein, it is predicted to be benign by multiple in silico algorithms, and/or has population frequency not consistent with disease.

Molecular Genetics Laboratory, London Health Sciences Centre
Classification: Likely benign for Charcot-Marie-Tooth disease. Review status: criteria provided, single submitter. Criteria: ACMG Guidelines, 2015. Collection method: clinical testing. Allele origin: germline. Affected: yes.